The following is an entry in ClinVar:

NM_001365480.1(CCDC88A):c.4286A>C (p.Glu1429Ala)

Gene: CCDC88A (coiled-coil domain containing 88A; minus strand). Cytogenetic location: 2p16.1.
Variant type: single nucleotide variant.
Coding change: c.4286A>C on transcript NM_001365480.1 (MANE Select); coding-DNA position 4286, A replaced by C.
Protein change: p.Glu1429Ala; replaces glutamic acid 1429 with alanine.
Molecular consequence: missense variant.
Genome position (GRCh38, 1-based): chr2:55,308,910, T>G on the plus strand (A>C on the coding strand, the complement: CCDC88A is on the minus strand). VCF-style: chr2-55308910-T-G. GRCh37 (hg19) VCF-style: chr2-55536046-T-G.
Other names: c.4283A>C, p.Glu1428Ala (NM_001135597.2, NM_001254943.2); c.4286A>C, p.Glu1429Ala (NM_018084.5); short protein forms E1428A, E1429A.
Identifiers: ClinVar variation 2167042 (VCV002167042.1), dbSNP rs955707499, ClinGen allele CA47587385.
Genomic context (GRCh38, chr2:55,308,910, plus strand): 5'-GAGTTTGAACCTACTGAAGAACTATCTTGACTGTCTTGATGAGGGAGCTGAAGAAATCCT[T>G]CACTGGAGTCTGAGCGGGTGGGTGTTAATGTTAGAGATTTCTGGCGTTCCCGATTAATAT-3'
Protein context (NP_001352409.1, residues 1419-1439): TLTPTRSDSS[Glu1429Ala]GFLQLPHQDS

ClinVar aggregate classification (germline): Uncertain significance (1 of 4 stars; one submission).

Allele frequency attached by ClinVar (database versions not stated): gnomAD 0.00001.
gnomAD v4.1: 4 of 1,614,062 alleles (0.00025%); highest among the groups gnomAD compares: Admixed American, 0.0017%; no homozygotes.

Submission:

Labcorp Genetics (formerly Invitae), Labcorp
Classification: Uncertain significance. Last evaluated: 2022-08-21. Review status: criteria provided, single submitter. Criteria: Invitae Variant Classification Sherloc (09022015). Collection method: clinical testing. Allele origin: germline.
Comment: This sequence change replaces glutamic acid, which is acidic and polar, with alanine, which is neutral and non-polar, at codon 1428 of the CCDC88A protein (p.Glu1428Ala). This variant is present in population databases (no rsID available, gnomAD 0.06%). This variant has not been reported in the literature in individuals affected with CCDC88A-related conditions. Algorithms developed to predict the effect of missense changes on protein structure and function (SIFT, PolyPhen-2, Align-GVGD) all suggest that this variant is likely to be tolerated. In summary, the available evidence is currently insufficient to determine the role of this variant in disease. Therefore, it has been classified as a Variant of Uncertain Significance.